The following is an entry in ClinVar:

ClinVar aggregate classification (germline): Uncertain significance. Review status: criteria provided, multiple submitters, no conflicts (2 of 4 stars). 4 submissions from 4 submitters: Uncertain significance (3). 1 of the submissions does not count toward it. Last evaluated 2026-01-09.

Conditions:
Usher syndrome type 1 (USH1). Also called: RETINITIS PIGMENTOSA AND CONGENITAL DEAFNESS. Identifiers: Orphanet 231169, Orphanet 886, MedGen C1568247, MONDO:0010168, OMIM 276900.

Allele frequency attached by ClinVar (database versions not stated): TOPMed 0.00001; gnomAD 0.00001; gnomAD exomes 0.00001.
gnomAD v4.1: 53 of 1,612,610 alleles (0.0033%); highest among the groups gnomAD compares: Non-Finnish European, 0.0039%; no homozygotes.

Submissions (4):

GeneDx
Classification: Uncertain significance. Last evaluated: 2026-01-09. Review status: criteria provided, single submitter. Criteria: GeneDx Variant Classification Process June 2021. Collection method: clinical testing. Allele origin: germline. Affected: yes.
Comment: Not observed at significant frequency in large population cohorts (gnomAD); In silico analysis supports that this missense variant has a deleterious effect on protein structure/function; Has not been previously published as pathogenic or benign to our knowledge

Labcorp Genetics (formerly Invitae), Labcorp
Classification: Uncertain significance. Last evaluated: 2021-09-01. Review status: criteria provided, single submitter. Criteria: Invitae Variant Classification Sherloc (09022015). Collection method: clinical testing. Allele origin: germline.
Comment: This sequence change replaces tyrosine with serine at codon 1565 of the CDH23 protein (p.Tyr1565Ser). The tyrosine residue is highly conserved and there is a large physicochemical difference between tyrosine and serine. This variant is not present in population databases (ExAC no frequency). This variant has not been reported in the literature in individuals affected with CDH23-related conditions. ClinVar contains an entry for this variant (Variation ID: 179073). Algorithms developed to predict the effect of missense changes on protein structure and function are either unavailable or do not agree on the potential impact of this missense change (SIFT: "Deleterious"; PolyPhen-2: "Not Available"; Align-GVGD: "Class C65"). In summary, the available evidence is currently insufficient to determine the role of this variant in disease. Therefore, it has been classified as a Variant of Uncertain Significance.

Laboratory for Molecular Medicine, Mass General Brigham Personalized Medicine
Classification: Uncertain significance. Last evaluated: 2013-06-12. Review status: criteria provided, single submitter. Criteria: LMM Criteria. Collection method: clinical testing. Allele origin: germline. Observed: 1 variant allele.
Comment: The Tyr1565Ser variant in CDH23 has not been reported in individuals with hearin g loss or in large population studies. Computational analyses (biochemical amino acid properties, conservation, AlignGVGD, PolyPhen2, and SIFT) suggest that the Tyr1565Ser variant may impact the protein, though this information is not predi ctive enough to determine pathogenicity. In summary, additional data is needed t o determine the clinical significance of this variant.

Natera, Inc.
Classification: Uncertain significance for Usher syndrome type 1. Last evaluated: 2019-10-28. Review status: no assertion criteria provided. Collection method: clinical testing. Allele origin: germline. Not counted in ClinVar's aggregate classification.

NM_022124.6(CDH23):c.4694A>C (p.Tyr1565Ser)

Gene: CDH23 (cadherin related 23; plus strand). Cytogenetic location: 10q22.1.
Variant type: single nucleotide variant.
Coding change: c.4694A>C on transcript NM_022124.6 (MANE Select); coding-DNA position 4694, A replaced by C.
Protein change: p.Tyr1565Ser; replaces tyrosine 1565 with serine.
Molecular consequence: missense variant.
Genome position (GRCh38, 1-based): chr10:71,741,770, A>C. VCF-style: chr10-71741770-A-C. GRCh37 (hg19) VCF-style: chr10-73501527-A-C.
Other names: short protein forms Y1565S.
Identifiers: ClinVar variation 179073 (VCV000179073.10), dbSNP rs727504606, ClinGen allele CA183674.